The following is an entry in ClinVar:

NM_006208.3(ENPP1):c.-13G>A

Gene: ENPP1 (ectonucleotide pyrophosphatase/phosphodiesterase 1; plus strand). Cytogenetic location: 6q23.2.
Variant type: single nucleotide variant.
Coding change: c.-13G>A on transcript NM_006208.3 (MANE Select); 13 bases upstream of the start codon, G replaced by A.
Molecular consequence: 5 prime UTR variant.
Genome position (GRCh38, 1-based): chr6:131,808,023, G>A. VCF-style: chr6-131808023-G-A. GRCh37 (hg19) VCF-style: chr6-132129163-G-A.
Identifiers: ClinVar variation 285777 (VCV000285777.14), dbSNP rs535293574, ClinGen allele CA10605242.

ClinVar aggregate classification (germline): Conflicting classifications of pathogenicity. Review status: criteria provided, conflicting classifications (1 of 4 stars). 5 submissions from 4 submitters: Uncertain significance (1); Benign (3). 1 of the submissions does not count toward it. Last evaluated 2018-08-30.

Conditions:
ENPP1-related disorder. Also called: ENPP1-related condition; ENPP1-related disorders.
Hypophosphatemic rickets, autosomal recessive, 2 (ARHR2). Identifiers: Orphanet 289176, MedGen C2750078, MONDO:0013219, OMIM 613312.
Arterial calcification, generalized, of infancy, 1 (GACI1). Also called: Idiopathic Infantile Arterial Calcification. Identifiers: Orphanet 51608, MedGen C4551985, MONDO:0008817, OMIM 208000.

Allele frequency attached by ClinVar (database versions not stated): gnomAD 0.01629; TOPMed 0.01750; 1000 Genomes Project 30x 0.01811; 1000 Genomes Project 0.01997.
gnomAD v4.1: 3,274 of 978,330 alleles (0.33%); highest among the groups gnomAD compares: African/African-American, 5.5%; 88 homozygotes.

Submissions (5):

GeneDx
Classification: Benign. Last evaluated: 2018-08-30. Review status: criteria provided, single submitter. Criteria: GeneDx Variant Classification Process June 2021. Collection method: clinical testing. Allele origin: germline. Affected: yes.

Illumina Laboratory Services, Illumina
Classification: Benign for Arterial calcification, generalized, of infancy, 1. Last evaluated: 2018-01-12. Review status: criteria provided, single submitter. Criteria: ICSL Variant Classification Criteria 13 December 2019. Collection method: clinical testing. Allele origin: germline.
Comment: This variant was observed in the ICSL laboratory as part of a predisposition screen in an ostensibly healthy population. It had not been previously curated by ICSL or reported in the Human Gene Mutation Database (HGMD: prior to June 1st, 2018), and was therefore a candidate for classification through an automated scoring system. Utilizing variant allele frequency, disease prevalence and penetrance estimates, and inheritance mode, an automated score was calculated to assess if this variant is too frequent to cause the disease. Based on the score and internal cut-off values, a variant classified as benign is not then subjected to further curation. The score for this variant resulted in a classification of benign for this disease.

Illumina Laboratory Services, Illumina
Classification: Benign for Hypophosphatemic rickets, autosomal recessive, 2. Last evaluated: 2018-01-12. Review status: criteria provided, single submitter. Criteria: ICSL Variant Classification Criteria 13 December 2019. Collection method: clinical testing. Allele origin: germline.
Comment: the same text as in the submission from Illumina Laboratory Services, Illumina above.

Eurofins Ntd Llc (ga)
Classification: Uncertain significance. Last evaluated: 2016-01-20. Review status: criteria provided, single submitter. Criteria: EGL Classification Definitions 2015. Collection method: clinical testing. Allele origin: germline. Observed: 2 variant alleles, 2 heterozygotes.

PreventionGenetics, part of Exact Sciences
Classification: Benign for ENPP1-related condition. Last evaluated: 2022-04-11. Review status: no assertion criteria provided. Collection method: clinical testing. Allele origin: germline. Not counted in ClinVar's aggregate classification.
Comment: This variant is classified as benign based on ACMG/AMP sequence variant interpretation guidelines (Richards et al. 2015 PMID: 25741868, with internal and published modifications).